The following is an entry in ClinVar:

NM_001142800.2(EYS):c.8663G>C (p.Gly2888Ala)

Genes: EYS (eyes shut homolog; minus strand), PHF3 (PHD finger protein 3; plus strand). Cytogenetic location: 6q12.
Variant type: single nucleotide variant.
Coding change: c.8663G>C on transcript NM_001142800.2 (MANE Select); coding-DNA position 8663, G replaced by C.
Protein change: p.Gly2888Ala; replaces glycine 2888 with alanine.
Molecular consequence: missense variant. On other transcripts: 3 prime UTR variant (5).
Genome position (GRCh38, 1-based): chr6:63,721,368, C>G on the plus strand (G>C on the coding strand, the complement: EYS is on the minus strand). VCF-style: chr6-63721368-C-G. GRCh37 (hg19) VCF-style: chr6-64431264-C-G.
Other names: c.*7660C>G (NM_001290259.2, NM_001370348.2, NM_001370349.2 and 2 more transcripts); c.8726G>C, p.Gly2909Ala (NM_001292009.2); short protein forms G2909A, G2888A.
Identifiers: ClinVar variation 1963335 (VCV001963335.2), dbSNP rs752962568, ClinGen allele CA3876701.

ClinVar aggregate classification (germline): Uncertain significance (1 of 4 stars; one submission).

Allele frequency attached by ClinVar (database versions not stated): gnomAD exomes 0.00001; ExAC 0.00009.
gnomAD v4.1: 16 of 1,551,844 alleles (0.001%); highest among the groups gnomAD compares: South Asian, 0.019%; no homozygotes.

Submission:

Labcorp Genetics (formerly Invitae), Labcorp
Classification: Uncertain significance. Last evaluated: 2021-08-03. Review status: criteria provided, single submitter. Criteria: Invitae Variant Classification Sherloc (09022015). Collection method: clinical testing. Allele origin: germline.
Comment: This sequence change replaces glycine with alanine at codon 2888 of the EYS protein (p.Gly2888Ala). The glycine residue is highly conserved and there is a small physicochemical difference between glycine and alanine. This variant is present in population databases (rs752962568, ExAC 0.03%). This variant has not been reported in the literature in individuals affected with EYS-related conditions. Algorithms developed to predict the effect of missense changes on protein structure and function are either unavailable or do not agree on the potential impact of this missense change (SIFT: "Deleterious"; PolyPhen-2: "Probably Damaging"; Align-GVGD: "Class C0"). In summary, the available evidence is currently insufficient to determine the role of this variant in disease. Therefore, it has been classified as a Variant of Uncertain Significance.